The following is an entry in ClinVar:

NM_003292.3(TPR):c.1390-73dup

Gene: TPR (translocated promoter region, nuclear basket protein; minus strand). Cytogenetic location: 1q31.1.
Variant type: Duplication.
Coding change: c.1390-73dup on transcript NM_003292.3 (MANE Select); 73 bases into the intron before coding-DNA position 1390, one base duplicated (A; older notation c.1390-73dupA).
Molecular consequence: intron variant.
Genome position (GRCh38, 1-based): chr1:186,358,723, T duplicated on the plus strand (A on the coding strand, the reverse complement: TPR is on the minus strand). VCF-style (leftmost placement, unchanged base first): chr1-186358722-A-AT. GRCh37 (hg19) VCF-style: chr1-186327854-A-AT.
Identifiers: ClinVar variation 4292046 (VCV004292046.1).

ClinVar aggregate classification (germline): Uncertain significance (1 of 4 stars; one submission).

Conditions:
Intellectual developmental disorder, autosomal recessive 79 (MRT79). Identifiers: MedGen C5830553, MONDO:0957288, OMIM 620393.

Submission:

3billion
Classification: Uncertain significance for Intellectual developmental disorder, autosomal recessive 79. Last evaluated: 2024-09-26. Review status: criteria provided, single submitter. Criteria: ACMG Guidelines, 2015. Collection method: clinical testing. Allele origin: germline. Affected: yes.
Comment: The variant is observed at an extremely low frequency in the gnomAD v4.0.0 dataset (total allele frequency: 0.004%). Predicted Consequence/Location: Intron variant In silico tools predict the variant to alter splicing and produce an abnormal transcript [SpliceAI: 0.32 (>=0.2, moderate evidence for spliceogenicity)]. Therefore, this variant is classified as VUS according to the recommendation of ACMG/AMP guideline.